The following is an entry in ClinVar:

NM_001105558.1(WEE2):c.1576T>G (p.Tyr526Asp)

Genes: WEE2 (WEE2 oocyte meiosis inhibiting kinase; plus strand), WEE2-AS1 (WEE2 antisense RNA 1; minus strand). Cytogenetic location: 7q34.
Variant type: single nucleotide variant.
Coding change: c.1576T>G on transcript NM_001105558.1 (MANE Select); coding-DNA position 1576, T replaced by G.
Protein change: p.Tyr526Asp; replaces tyrosine 526 with aspartic acid.
Molecular consequence: missense variant.
Genome position (GRCh38, 1-based): chr7:141,729,571, T>G. VCF-style: chr7-141729571-T-G. GRCh37 (hg19) VCF-style: chr7-141429371-T-G.
Other names: short protein forms Y526D.
Identifiers: ClinVar variation 771416 (VCV000771416.6), dbSNP rs35683659, ClinGen allele CA4518566.

ClinVar aggregate classification (germline): Benign/Likely benign. Review status: criteria provided, multiple submitters, no conflicts (2 of 4 stars). 3 submissions from 3 submitters: Benign (2); Likely benign (1). Last evaluated 2026-09-01.

Allele frequency attached by ClinVar (database versions not stated): ESP Exome Variant Server 0.00418; ExAC 0.00682; TOPMed 0.00734; 1000 Genomes Project 30x 0.01359; 1000 Genomes Project 0.01378.

Submissions (3):

CeGaT Center for Human Genetics Tuebingen
Classification: Likely benign. Last evaluated: 2026-09-01. Review status: criteria provided, single submitter. Criteria: CeGaT Center For Human Genetics Tuebingen Variant Classification Criteria Version 2. Collection method: clinical testing. Allele origin: germline. Affected: yes. Observed: 2 variant alleles.
Comment: WEE2: BP4

Labcorp Genetics (formerly Invitae), Labcorp
Classification: Benign. Last evaluated: 2018-07-31. Review status: criteria provided, single submitter. Criteria: Invitae Variant Classification Sherloc (09022015). Collection method: clinical testing. Allele origin: germline.

Breakthrough Genomics
Classification: Benign. Review status: criteria provided, single submitter. Criteria: ACMG Guidelines, 2015. Collection method: not provided. Allele origin: germline. Inheritance: Autosomal recessive inheritance. Affected: yes.